The following is an entry in ClinVar:

NM_198253.3(TERT):c.3074T>C (p.Val1025Ala)

Gene: TERT (telomerase reverse transcriptase; minus strand). Cytogenetic location: 5p15.33.
Variant type: single nucleotide variant.
Coding change: c.3074T>C on transcript NM_198253.3 (MANE Select); coding-DNA position 3074, T replaced by C.
Protein change: p.Val1025Ala; replaces valine 1025 with alanine.
Molecular consequence: missense variant. On other transcripts: non-coding transcript variant (2).
Genome position (GRCh38, 1-based): chr5:1,255,370, A>G on the plus strand (T>C on the coding strand, the complement: TERT is on the minus strand). VCF-style: chr5-1255370-A-G. GRCh37 (hg19) VCF-style: chr5-1255485-A-G.
Other names: c.2885T>C, p.Val962Ala (NM_001193376.3); c.3074T>C (NM_198253.2); short protein forms V1025A, V962A.
Identifiers: ClinVar variation 1007284 (VCV001007284.7), dbSNP rs1338054182, ClinGen allele CA359068270.

ClinVar aggregate classification (germline): Uncertain significance. Review status: criteria provided, multiple submitters, no conflicts (2 of 4 stars). 2 submissions from 2 submitters: Uncertain significance (2). Last evaluated 2026-07-08.

Conditions:
Idiopathic Pulmonary Fibrosis. Also called: Idiopathic fibrosing alveolitis, chronic form; idiopathic fibrosing alveolitis. Identifiers: Orphanet 2032, MedGen C1800706, MeSH D054990, MONDO:0800504.
Dyskeratosis congenita, autosomal dominant 2. Identifiers: MedGen C3151443, MONDO:0013521, OMIM 613989.
Dyskeratosis congenita. Identifiers: Orphanet 1775, MedGen C0265965, MONDO:0015780.

Allele frequency attached by ClinVar (database versions not stated): TOPMed 0.00001.

Submissions (2):

Ambry Genetics
Classification: Uncertain significance for Dyskeratosis congenita. Last evaluated: 2026-07-08. Review status: criteria provided, single submitter. Criteria: Ambry Variant Classification Scheme 2023. Collection method: clinical testing. Allele origin: germline.
Comment: The p.V1025A variant (also known as c.3074T>C), located in coding exon 14 of the TERT gene, results from a T to C substitution at nucleotide position 3074. The valine at codon 1025 is replaced by alanine, an amino acid with similar properties. This amino acid position is well conserved in available vertebrate species. In addition, the in silico prediction for this alteration is inconclusive. Based on the available evidence, the clinical significance of this variant remains unclear.

Labcorp Genetics (formerly Invitae), Labcorp
Classification: Uncertain significance for Dyskeratosis congenita, autosomal dominant 2; Idiopathic Pulmonary Fibrosis. Last evaluated: 2021-08-27. Review status: criteria provided, single submitter. Criteria: Invitae Variant Classification Sherloc (09022015). Collection method: clinical testing. Allele origin: germline.
Comment: This sequence change replaces valine with alanine at codon 1025 of the TERT protein (p.Val1025Ala). The valine residue is highly conserved and there is a small physicochemical difference between valine and alanine. This variant is not present in population databases (ExAC no frequency). This variant has not been reported in the literature in individuals affected with TERT-related conditions. Advanced modeling of protein sequence and biophysical properties (such as structural, functional, and spatial information, amino acid conservation, physicochemical variation, residue mobility, and thermodynamic stability) performed at Invitae indicates that this missense variant is expected to disrupt TERT protein function. In summary, the available evidence is currently insufficient to determine the role of this variant in disease. Therefore, it has been classified as a Variant of Uncertain Significance.